The following is an entry in ClinVar:

NM_015506.3(MMACHC):c.609G>A (p.Trp203Ter)

Genes: MMACHC (metabolism of cobalamin associated C; plus strand), LOC129930446 (ATAC-STARR-seq lymphoblastoid active region 972; plus strand). Cytogenetic location: 1p34.1.
Variant type: single nucleotide variant.
Coding change: c.609G>A on transcript NM_015506.3 (MANE Select); coding-DNA position 609, G replaced by A.
Protein change: p.Trp203Ter; replaces tryptophan 203 with a stop codon.
Molecular consequence: nonsense.
Genome position (GRCh38, 1-based): chr1:45,508,975, G>A. VCF-style: chr1-45508975-G-A. GRCh37 (hg19) VCF-style: chr1-45974647-G-A.
Other names: c.438G>A, p.Trp146Ter (NM_001330540.2); short protein forms W203*, W146*.
Identifiers: ClinVar variation 30800 (VCV000030800.65), dbSNP rs587776889, ClinGen allele CA259906.
Genomic context (GRCh38, chr1:45,508,975, plus strand): 5'-ACCTACAAGAGCTGACCGTATCGCCCTACTCGAAGGCTTCAATTTCCACTGGCGTGATTG[G>A]ACTTACCGGGATGCTGTGACACCCCAGGAGCGCTACTCAGAAGAGCAGAAGGCCTACTTC-3'

ClinVar aggregate classification (germline): Pathogenic. Review status: criteria provided, multiple submitters, no conflicts (2 of 4 stars). 18 submissions from 18 submitters: Pathogenic (12). 6 of the submissions do not count toward it. Last evaluated 2025-12-26.

Conditions:
Disorders of Intracellular Cobalamin Metabolism. Identifiers: MedGen CN043592.
Cobalamin C disease. Also called: Methylmalonic aciduria and homocystinuria, Vitamin B12-responsive; Vitamin B12 metabolic defect with combined deficiency of methylmalonyl-CoA mutase and homocysteine:methyltetrahydrofolate methyltransferase; Cobalamin-C methylmalonic acidemia and homocystinuria; Methylmalonic acidemia and homocystinuria cblC type; methylmalonic aciduria and homocystinuria type cblC; Methylmalonic aciduria with homocystinuria cblC type. Identifiers: Orphanet 26, Orphanet 79282, MedGen C1848561, MONDO:0010184, OMIM 277400.

Allele frequency attached by ClinVar (database versions not stated): gnomAD 0.00003 and 0.00002; 1000 Genomes Project 30x 0.00016; TOPMed 0.00010; ExAC 0.00003; gnomAD exomes 0.00004 and 0.00001.
gnomAD v4.1: 15 of 1,614,172 alleles (0.00093%); highest among the groups gnomAD compares: East Asian, 0.027%; no homozygotes.

Submissions (18):

Natera, Inc.
Classification: Pathogenic for Methylmalonic aciduria and homocystinuria cblC type. Last evaluated: 2025-12-26. Review status: criteria provided, single submitter. Criteria: Natera Variant Classification Schema (03/2026). Collection method: clinical testing. Allele origin: germline.
Comment: The c.609G>A variant in MMACHC is a nonsense variant predicted to introduce a stop codon at amino acid 203. This variant is expected to result in nonsense mediated decay, truncation, or a dysfunctional protein product. The frequency of this variant in the general population is greater than expected for disorder. This variant has been observed in one or more individuals affected with the associated recessive disease, as either homozygous or compound heterozygous with a second variant (PMID: 26283149, 30209273). This variant has been observed to segregate in affected family members (PMID: 26283149). Given the available evidence, this variant is classified as Pathogenic.

Labcorp Genetics (formerly Invitae), Labcorp
Classification: Pathogenic for Cobalamin C disease. Last evaluated: 2025-12-24. Review status: criteria provided, single submitter. Criteria: Invitae Variant Classification Sherloc (09022015). Collection method: clinical testing. Allele origin: germline.
Comment: This sequence change creates a premature translational stop signal (p.Trp203*) in the MMACHC gene. While this is not anticipated to result in nonsense mediated decay, it is expected to disrupt the last 80 amino acid(s) of the MMACHC protein. This variant is present in population databases (rs587776889, gnomAD 0.05%). This premature translational stop signal has been observed in individuals with MMACHC-related conditions (PMID: 16311595, 20631720, 23954310, 25772322, 27383490, 28327205). ClinVar contains an entry for this variant (Variation ID: 30800). For these reasons, this variant has been classified as Pathogenic.

Fulgent Genetics
Classification: Pathogenic for Cobalamin C disease. Last evaluated: 2024-05-02. Review status: criteria provided, single submitter. Criteria: ACMG Guidelines, 2015. Collection method: clinical testing. Allele origin: germline.

GeneDx
Classification: Pathogenic. Last evaluated: 2024-01-17. Review status: criteria provided, single submitter. Criteria: GeneDx Variant Classification Process June 2021. Collection method: clinical testing. Allele origin: germline. Affected: yes.
Comment: Nonsense variant predicted to result in protein truncation, as the last 80 amino acids are lost, and other loss-of-function variants have been reported downstream in HGMD; This variant is associated with the following publications: (PMID: 26283149, 26149271, 34704411, 33691766, 34474183, 34102818, 35361390, 35085585, 23591356, 22995991, 20631720, 21055272, 26563984, 27383490, 27751223, 29042959, 28327205, 29581464, 29340559, 29068997, 30712249, 29045954, 31178897, 30863077, 30564975, 31574870, 31203424, 31697851, 31965297, 30157807, 32443968, 31998365, 29731766, 32005694, 34539730, 32957924, 32943488, 32901917, 32712949, 32778825, 33473346, 33914258, 34076870, 33982424, 35578252, 35935352, 35709987, 34953813, 33327995, 35193651, 31328266, 35660814, 16311595, 32746869)

Precision Medicine Center, Zhengzhou University
Classification: Pathogenic for Cobalamin C disease. Last evaluated: 2023-12-01. Review status: criteria provided, single submitter. Criteria: ACMG Guidelines, 2015. Collection method: clinical testing. Allele origin: maternal. Affected: yes.
Comment: PVS1,PM2_p,PM3

Genome-Nilou Lab
Classification: Pathogenic for Cobalamin C disease. Last evaluated: 2023-04-11. Review status: criteria provided, single submitter. Criteria: ACMG Guidelines, 2015. Collection method: clinical testing. Allele origin: germline. Affected: no.

3billion
Classification: Pathogenic for Cobalamin C disease. Last evaluated: 2021-10-02. Review status: criteria provided, single submitter. Criteria: ACMG Guidelines, 2015. Collection method: clinical testing. Allele origin: maternal. Affected: yes. Observed: 1 heterozygote.
Comment: Stop-gained (nonsense): predicted to result in a loss or disruption of normal protein function through nonsense-mediated decay (NMD) or protein truncation. Multiple pathogenic variants are reported downstream of the variant (PVS1_VS). It is observed at an extremely low frequency in the gnomAD v2.1.1 dataset (total allele frequency: 0.0000441, PM2). he variant was observed in trans with a pathogenic variant (NM_015506.2: c.394C>T) as compound heterozygous (3billion dataset, PM3). The variant has been reported multiple times as an established pathogenic variant (ClinVar ID: VCV000030800.12). Therefore, this variant is classified as pathogenic according to the recommendation of ACMG/AMP guideline.

Genetics and Prenatal Diagnosis Center, The First Affiliated Hospital of Zhengzhou University
Classification: Pathogenic for Cobalamin C disease. Last evaluated: 2021-05-13. Review status: criteria provided, single submitter. Criteria: ACMG Guidelines, 2015. Collection method: clinical testing. Allele origin: germline. Affected: yes.

Beijing Key Laboratry for Genetics of Birth Defects, Beijing Children's Hospital
Classification: Pathogenic for Cobalamin C disease. Last evaluated: 2020-02-28. Review status: criteria provided, single submitter. Criteria: ACMG Guidelines, 2015. Collection method: clinical testing. Allele origin: germline. Affected: yes. Observed: 1 variant allele.

ARUP Laboratories, Molecular Genetics and Genomics, ARUP Laboratories
Classification: Pathogenic. Last evaluated: 2017-07-25. Review status: criteria provided, single submitter. Criteria: ARUP Molecular Germline Variant Investigation Process. Collection method: clinical testing. Allele origin: germline.
Comment: The p.Trp203Ter variant creates a termination codon in the MMACHC protein at codon 203 in exon 4 which is predicted to result in a truncated or absent protein product. In a cohort of 204 individuals suspected with inborn errors in cobalamin metabolism, the p.Trp203Ter was identified in the MMACHC gene from 7 individuals with pathogenic bi-allelic variants, including 5 homozygotes (Lerner-Ellis et. al. 2006). Furthermore, the p.Trp203Ter was observed in 52 out of 71 Chinese patients, including 15 homozygotes with elevated methylmalonic aciduria (MMA) and homocystinuria (HC), whereby haplotype analysis determined that it may have been caused by a founder effect in this population (Liu et. al. 2010). This variant is reported in ClinVar (Variation ID: 30800) as pathogenic. It is listed in the Genome Aggregation Database (gnomAD) with an overall population frequency of 0.004 percent (identified on 10 out of 246,224 chromosomes). Based on these observations the p.Trp203Ter is pathogenic.

Women's Health and Genetics/Laboratory Corporation of America, LabCorp
Classification: Pathogenic for Cobalamin C disease. Last evaluated: 2017-07-13. Review status: criteria provided, single submitter. Criteria: LabCorp Variant Classification Summary - May 2015. Collection method: clinical testing. Allele origin: germline.
Comment: Variant summary: The MMACHC c.609G>A (p.Trp203X) variant results in a premature termination codon, predicted to cause a truncated or absent MMACHC protein due to nonsense mediated decay, which are commonly known mechanisms for disease. One in silico tool predicts a damaging outcome for this variant. This variant was found in 4/121366 control chromosomes at a frequency of 0.000033, which does not exceed the estimated maximal expected allele frequency of a pathogenic MMACHC variant (0.0030542). The variant has been reported in numerous affected individuals in the homozygous and compound heterozygous state, and there is evidence the variant may be a founder mutation in the Chinese population (Lerner-Ellis_2009). In addition, multiple clinical diagnostic laboratories/reputable databases classified this variant as pathogenic. Taken together, this variant is classified as pathogenic.

Juno Genomics, Hangzhou Juno Genomics, Inc
Classification: Pathogenic for Cobalamin C disease. Review status: criteria provided, single submitter. Criteria: ACMG Guidelines, 2015. Collection method: clinical testing. Allele origin: germline. Affected: yes.
Comment: Absent from controls (or at extremely low frequency if recessive) in Genome Aggregation Database, Exome Sequencing Project, 1000 Genomes Project, or Exome Aggregation Consortium.;Null variant in a gene where loss of function (LOF) is a known mechanism of disease.;For recessive disorders, detected in trans with a pathogenic variant.;Patient's phenotype or family history is highly specific for a disease with a single genetic etiology.;Co-segregation with disease in multiple affected family members in a gene definitively known to cause the disease.

Neurology Department, Peking University First Hospital
Classification: Pathogenic for Methylmalonic acidemia with homocystinuria. Last evaluated: 2020-04-23. Review status: no assertion criteria provided. Collection method: research. Allele origin: germline. Affected: yes. Not counted in ClinVar's aggregate classification.

Counsyl
Classification: Pathogenic for Cobalamin C disease. Last evaluated: 2017-03-17. Review status: no assertion criteria provided. Collection method: clinical testing. Allele origin: unknown. Not counted in ClinVar's aggregate classification.

OMIM
Classification: Pathogenic for METHYLMALONIC ACIDURIA AND HOMOCYSTINURIA, cblC TYPE. Last evaluated: 2010-09-01. Review status: no assertion criteria provided. Collection method: literature only. Allele origin: germline. Not counted in ClinVar's aggregate classification.

Biochemistry Laboratory of CDMU, Chengde Medical University
Classification: Pathogenic for Cobalamin C disease. Review status: no assertion criteria provided. Criteria: ACMG Guidelines, 2015. Collection method: case-control. Allele origin: inherited. Affected: yes. Not counted in ClinVar's aggregate classification.

Developmental and Behavioral Pediatrics, First Affiliated Hospital of Jilin University
Classification: Pathogenic for Cobalamin C disease. Review status: no assertion criteria provided. Collection method: clinical testing. Allele origin: paternal. Not counted in ClinVar's aggregate classification.

GeneReviews
No classification provided. Condition: Disorders of Intracellular Cobalamin Metabolism. Review status: no classification provided. Collection method: literature only. Allele origin: germline. Not counted in ClinVar's aggregate classification.
Comment: Common in people of Chinese ancestry.

Literature cited by the submitters: PubMed 26283149 (cited by Natera, Inc. and Women's Health and Genetics/Laboratory Corporation of America, LabCorp); PubMed 30209273 (cited by Natera, Inc.); PubMed 16311595 (cited by 3 submitters); PubMed 20631720 (cited by 5 submitters); PubMed 23954310 (cited by Labcorp Genetics (formerly Invitae), Labcorp); PubMed 25772322 (cited by Labcorp Genetics (formerly Invitae), Labcorp); PubMed 27383490 (cited by Labcorp Genetics (formerly Invitae), Labcorp); PubMed 28327205 (cited by Labcorp Genetics (formerly Invitae), Labcorp); PubMed 19370762 (cited by Women's Health and Genetics/Laboratory Corporation of America, LabCorp); PubMed 32943488 (cited by OMIM).